The following is an entry in ClinVar:

NM_014918.5(CHSY1):c.1109G>A (p.Arg370Gln)

Gene: CHSY1 (chondroitin sulfate synthase 1; minus strand). Cytogenetic location: 15q26.3.
Variant type: single nucleotide variant.
Coding change: c.1109G>A on transcript NM_014918.5 (MANE Select); coding-DNA position 1109, G replaced by A.
Protein change: p.Arg370Gln; replaces arginine 370 with glutamine.
Molecular consequence: missense variant.
Genome position (GRCh38, 1-based): chr15:101,178,688, C>T on the plus strand (G>A on the coding strand, the complement: CHSY1 is on the minus strand). VCF-style: chr15-101178688-C-T. GRCh37 (hg19) VCF-style: chr15-101718893-C-T.
Other names: short protein forms R370Q.
Identifiers: ClinVar variation 1360389 (VCV001360389.8), dbSNP rs769801559, ClinGen allele CA7762596.
Genomic context (GRCh38, chr15:101,178,688, plus strand): 5'-CCGTCAACTGCCGAATACAAGTATTTTCCAGTCAGAAACTCCCATTCCAGAATCTCCTCT[C>T]GCTGGCGGGGCTGAAACCTCATGAAGGAGGGAGGGATTCCCAGCTGGAGGTCCTCTTTAT-3'
Protein context (NP_055733.2, residues 360-380): PSFMRFQPRQ[Arg370Gln]EEILEWEFLT

ClinVar aggregate classification (germline): Uncertain significance (1 of 4 stars; one submission).

Conditions:
Temtamy preaxial brachydactyly syndrome (TPBS). Identifiers: Orphanet 363417, MedGen C1854466, MONDO:0011533, OMIM 605282.

Allele frequency attached by ClinVar (database versions not stated): gnomAD 0.00001; gnomAD exomes 0.00001; TOPMed 0.00001; ExAC 0.00002.
gnomAD v4.1: 8 of 1,614,128 alleles (0.0005%); highest among the groups gnomAD compares: South Asian, 0.0022%; no homozygotes.

Submission:

Labcorp Genetics (formerly Invitae), Labcorp
Classification: Uncertain significance for Temtamy preaxial brachydactyly syndrome. Last evaluated: 2025-02-24. Review status: criteria provided, single submitter. Criteria: Invitae Variant Classification Sherloc (09022015). Collection method: clinical testing. Allele origin: germline.
Comment: This sequence change replaces arginine, which is basic and polar, with glutamine, which is neutral and polar, at codon 370 of the CHSY1 protein (p.Arg370Gln). This variant is present in population databases (rs769801559, gnomAD 0.007%). This variant has not been reported in the literature in individuals affected with CHSY1-related conditions. ClinVar contains an entry for this variant (Variation ID: 1360389). Invitae Evidence Modeling of protein sequence and biophysical properties (such as structural, functional, and spatial information, amino acid conservation, physicochemical variation, residue mobility, and thermodynamic stability) indicates that this missense variant is expected to disrupt CHSY1 protein function with a positive predictive value of 80%. In summary, the available evidence is currently insufficient to determine the role of this variant in disease. Therefore, it has been classified as a Variant of Uncertain Significance.